The following is an entry in ClinVar:

ClinVar aggregate classification (germline): Uncertain significance (1 of 4 stars; one submission).

Conditions:
Inborn genetic diseases. Identifiers: MedGen C0950123, MeSH D030342.

Submission:

Ambry Genetics
Classification: Uncertain significance for Inborn genetic diseases. Last evaluated: 2025-04-01. Review status: criteria provided, single submitter. Criteria: Ambry Variant Classification Scheme 2023. Collection method: clinical testing. Allele origin: germline.
Comment: The p.V189G variant (also known as c.566T>G), located in coding exon 5 of the USB1 gene, results from a T to G substitution at nucleotide position 566. The valine at codon 189 is replaced by glycine, an amino acid with dissimilar properties. This amino acid position is conserved. In addition, this alteration is predicted to be deleterious by in silico analysis. Based on the available evidence, the clinical significance of this variant remains unclear.

NM_024598.4(USB1):c.566T>G (p.Val189Gly)

Gene: USB1 (U6 snRNA biogenesis phosphodiesterase 1; plus strand). Cytogenetic location: 16q21.
Variant type: single nucleotide variant.
Coding change: c.566T>G on transcript NM_024598.4 (MANE Select); coding-DNA position 566, T replaced by G.
Protein change: p.Val189Gly; replaces valine 189 with glycine.
Molecular consequence: missense variant.
Genome position (GRCh38, 1-based): chr16:58,017,396, T>G. VCF-style: chr16-58017396-T-G. GRCh37 (hg19) VCF-style: chr16-58051300-T-G.
Other names: c.512T>G, p.Val171Gly (NM_001195302.2); c.413T>G, p.Val138Gly (NM_001330568.2); short protein forms V138G, V189G, V171G.
Identifiers: ClinVar variation 3978149 (VCV003978149.1).